The following is an entry in ClinVar:

NM_001364905.1(LRBA):c.7741C>G (p.Gln2581Glu)

Gene: LRBA (LPS responsive beige-like anchor protein; minus strand). Cytogenetic location: 4q31.3.
Variant type: single nucleotide variant.
Coding change: c.7741C>G on transcript NM_001364905.1 (MANE Select); coding-DNA position 7741, C replaced by G.
Protein change: p.Gln2581Glu; replaces glutamine 2581 with glutamic acid.
Molecular consequence: missense variant.
Genome position (GRCh38, 1-based): chr4:150,310,337, G>C on the plus strand (C>G on the coding strand, the complement: LRBA is on the minus strand). VCF-style: chr4-150310337-G-C. GRCh37 (hg19) VCF-style: chr4-151231489-G-C.
Other names: c.7741C>G, p.Gln2581Glu (NM_001199282.3); c.7756C>G, p.Gln2586Glu (NM_001367550.1); c.7774C>G, p.Gln2592Glu (NM_006726.5); short protein forms Q2581E, Q2586E, Q2592E.
Identifiers: ClinVar variation 2020029 (VCV002020029.5), dbSNP rs1730898077, ClinGen allele CA358599660.

ClinVar aggregate classification (germline): Uncertain significance. Review status: criteria provided, multiple submitters, no conflicts (2 of 4 stars). 2 submissions from 2 submitters: Uncertain significance (2). Last evaluated 2025-07-15.

Conditions:
Inborn genetic diseases. Identifiers: MedGen C0950123, MeSH D030342.
Combined immunodeficiency due to LRBA deficiency. Also called: Common variable immunodeficiency 8, with autoimmunity. Identifiers: Orphanet 445018, MedGen C3553512, MONDO:0013863, OMIM 614700.

Allele frequency attached by ClinVar (database versions not stated): gnomAD exomes below 0.00001; gnomAD 0.00001; TOPMed 0.00001.
gnomAD v4.1: 2 of 1,612,894 alleles (0.00012%); highest among the groups gnomAD compares: Admixed American, 0.0017%; no homozygotes.

Submissions (2):

Ambry Genetics
Classification: Uncertain significance for Inborn genetic diseases. Last evaluated: 2025-07-15. Review status: criteria provided, single submitter. Criteria: Ambry Variant Classification Scheme 2023. Collection method: clinical testing. Allele origin: germline.

Labcorp Genetics (formerly Invitae), Labcorp
Classification: Uncertain significance for Combined immunodeficiency due to LRBA deficiency. Last evaluated: 2022-08-20. Review status: criteria provided, single submitter. Criteria: Invitae Variant Classification Sherloc (09022015). Collection method: clinical testing. Allele origin: germline.
Comment: Algorithms developed to predict the effect of missense changes on protein structure and function are either unavailable or do not agree on the potential impact of this missense change (SIFT: "Tolerated"; PolyPhen-2: "Probably Damaging"; Align-GVGD: "Class C0"). In summary, the available evidence is currently insufficient to determine the role of this variant in disease. Therefore, it has been classified as a Variant of Uncertain Significance. This sequence change replaces glutamine, which is neutral and polar, with glutamic acid, which is acidic and polar, at codon 2592 of the LRBA protein (p.Gln2592Glu). This variant is not present in population databases (gnomAD no frequency). This variant has not been reported in the literature in individuals affected with LRBA-related conditions.